The following is an entry in ClinVar:

NM_000517.6(HBA2):c.375C>G (p.Ser125=)

Genes: HBA2 (hemoglobin subunit alpha 2; plus strand), LOC106804612 (hemoglobin subunit alpha 2 recombination region; plus strand). Cytogenetic location: 16p13.3.
Variant type: single nucleotide variant.
Coding change: c.375C>G on transcript NM_000517.6 (MANE Select); coding-DNA position 375, C replaced by G.
Protein change: p.Ser125=; no amino-acid change (serine 125 retained).
Molecular consequence: synonymous variant.
Genome position (GRCh38, 1-based): chr16:173,546, C>G. VCF-style: chr16-173546-C-G. GRCh37 (hg19) VCF-style: chr16-223545-C-G.
Other names: c.375C>G (NM_000517.4).
Identifiers: ClinVar variation 811636 (VCV000811636.14), dbSNP rs775058691, ClinGen allele CA7770182.

ClinVar aggregate classification (germline): Likely benign. Review status: criteria provided, multiple submitters, no conflicts (2 of 4 stars). 4 submissions from 4 submitters: Likely benign (2). 2 of the submissions do not count toward it. Last evaluated 2025-06-23.

Conditions:
alpha Thalassemia. Also called: Alpha thalassemia spectrum. Identifiers: Orphanet 846, MedGen C0002312, MONDO:0011399, OMIM 604131.
HBA2-related disorder. Also called: HBA2-related condition.

Allele frequency attached by ClinVar (database versions not stated): gnomAD exomes 0.00006 and 0.00012; ExAC 0.00008; gnomAD 0.00009 and 0.00010; TOPMed 0.00019.
gnomAD v4.1: 124 of 1,607,602 alleles (0.0077%); highest among the groups gnomAD compares: Middle Eastern, 0.13%; 4 homozygotes.

Submissions (4):

ARUP Laboratories, Molecular Genetics and Genomics, ARUP Laboratories
Classification: Likely benign. Last evaluated: 2025-06-23. Review status: criteria provided, single submitter. Criteria: ARUP Molecular Germline Variant Investigation Process 2024. Collection method: clinical testing. Allele origin: germline.

Blueprint Genetics
Classification: Likely benign. Last evaluated: 2024-10-17. Review status: criteria provided, single submitter. Criteria: ACMG Guidelines, 2015. Collection method: clinical testing. Allele origin: germline.

Natera, Inc.
Classification: Likely benign for Alpha thalassemia. Last evaluated: 2021-06-21. Review status: no assertion criteria provided. Collection method: clinical testing. Allele origin: germline. Not counted in ClinVar's aggregate classification.

PreventionGenetics, part of Exact Sciences
Classification: Likely benign for HBA2-related condition. Last evaluated: 2021-01-18. Review status: no assertion criteria provided. Collection method: clinical testing. Allele origin: germline. Not counted in ClinVar's aggregate classification.
Comment: This variant is classified as likely benign based on ACMG/AMP sequence variant interpretation guidelines (Richards et al. 2015 PMID: 25741868, with internal and published modifications).